The following is an entry in ClinVar:

ClinVar aggregate classification (germline): Uncertain significance (0 of 4 stars; one submission).

Conditions:
PCSK1-related disorder. Also called: PCSK1-related condition.

Submission:

PreventionGenetics, part of Exact Sciences
Classification: Uncertain significance for PCSK1-related condition. Last evaluated: 2024-06-24. Review status: no assertion criteria provided. Collection method: clinical testing. Allele origin: germline.
Comment: The PCSK1 c.1408A>C variant is predicted to result in the amino acid substitution p.Lys470Gln. To our knowledge, this variant has not been reported in the literature or in a large population database, indicating this variant is rare. At this time, the clinical significance of this variant is uncertain due to the absence of conclusive functional and genetic evidence.

NM_000439.5(PCSK1):c.1408A>C (p.Lys470Gln)

Genes: CAST (calpastatin; plus strand), PCSK1 (proprotein convertase subtilisin/kexin type 1; minus strand), LOC101929710 (uncharacterized LOC101929710; plus strand). Cytogenetic location: 5q15.
Variant type: single nucleotide variant.
Coding change: c.1408A>C on transcript NM_000439.5 (MANE Select); coding-DNA position 1408, A replaced by C.
Protein change: p.Lys470Gln; replaces lysine 470 with glutamine.
Molecular consequence: missense variant. On other transcripts: intron variant (11).
Genome position (GRCh38, 1-based): chr5:96,399,975, T>G on the plus strand (A>C on the coding strand, the complement: PCSK1 is on the minus strand). VCF-style: chr5-96399975-T-G. GRCh37 (hg19) VCF-style: chr5-95735679-T-G.
Other names: c.1267A>C, p.Lys423Gln (NM_001177875.2); c.-175+20323T>G (NM_001423254.1, NM_001423259.1, NM_001423255.1 and 6 more transcripts); c.-103+20323T>G (NM_001423253.1); c.-40+20323T>G (NM_001423258.1); short protein forms K423Q, K470Q.
Identifiers: ClinVar variation 3347495 (VCV003347495.1).
Genomic context (GRCh38, chr5:96,399,975, plus strand): 5'-TGGGCACACATGTGTTTAAAATTCCAGGAGATACTTACCTGGGCTCAAAGTCATTGTCCT[T>G]TACAACACACTCTTTCTTCTCAGGCACGCTCCTCCAGGTCCTGGGGTCAGCTAAATCCAC-3'
Protein context (NP_000430.3, residues 460-480): SVPEKKECVV[Lys470Gln]DNDFEPRALK